The following is an entry in ClinVar:

NM_002087.4(GRN):c.673C>T (p.Pro225Ser)

Gene: GRN (granulin precursor; plus strand). Cytogenetic location: 17q21.31.
Variant type: single nucleotide variant.
Coding change: c.673C>T on transcript NM_002087.4 (MANE Select); coding-DNA position 673, C replaced by T.
Protein change: p.Pro225Ser; replaces proline 225 with serine.
Molecular consequence: missense variant.
Genome position (GRCh38, 1-based): chr17:44,350,765, C>T. VCF-style: chr17-44350765-C-T. GRCh37 (hg19) VCF-style: chr17-42428133-C-T.
Other names: short protein forms P225S.
Identifiers: ClinVar variation 1721626 (VCV001721626.5), dbSNP rs1213288355, ClinGen allele CA399764371.

ClinVar aggregate classification (germline): Uncertain significance (1 of 4 stars; one submission).

Conditions:
GRN-related frontotemporal lobar degeneration with Tdp43 inclusions (FTD2). Also called: DEMENTIA, HEREDITARY DYSPHASIC DISINHIBITION; FRONTOTEMPORAL LOBAR DEGENERATION WITH UBIQUITIN-POSITIVE INCLUSIONS; FTLD-TDP, GRN-RELATED; GRN Frontotemporal Dementia; FRONTOTEMPORAL DEMENTIA WITH TDP43 INCLUSIONS, GRN-RELATED. Identifiers: Orphanet 100070, Orphanet 282, MedGen C1843792, MONDO:0011842, OMIM 607485. Disease mechanism: loss of function.
Neuronal ceroid lipofuscinosis 11. Also called: GRN-Related Neuronal Ceroid-Lipofuscinosis. Identifiers: Orphanet 314629, Orphanet 79262, MedGen C3539123, MONDO:0013866, OMIM 614706.

Allele frequency attached by ClinVar (database versions not stated): gnomAD 0.00001; TOPMed 0.00001.

Submission:

Labcorp Genetics (formerly Invitae), Labcorp
Classification: Uncertain significance for Neuronal ceroid lipofuscinosis 11; GRN-related frontotemporal lobar degeneration with Tdp43 inclusions. Last evaluated: 2022-10-23. Review status: criteria provided, single submitter. Criteria: Invitae Variant Classification Sherloc (09022015). Collection method: clinical testing. Allele origin: germline.
Comment: In summary, the available evidence is currently insufficient to determine the role of this variant in disease. Therefore, it has been classified as a Variant of Uncertain Significance. Advanced modeling of protein sequence and biophysical properties (such as structural, functional, and spatial information, amino acid conservation, physicochemical variation, residue mobility, and thermodynamic stability) performed at Invitae indicates that this missense variant is not expected to disrupt GRN protein function. This variant has not been reported in the literature in individuals affected with GRN-related conditions. This variant is not present in population databases (gnomAD no frequency). This sequence change replaces proline, which is neutral and non-polar, with serine, which is neutral and polar, at codon 225 of the GRN protein (p.Pro225Ser).